The following is an entry in ClinVar:

ClinVar aggregate classification (germline): Uncertain significance (1 of 4 stars; one submission).

Conditions:
Fanconi anemia (FA). Also called: Fanconi's anemia. Identifiers: Orphanet 84, MedGen C0015625, MeSH D005199, MONDO:0019391.

Submission:

Labcorp Genetics (formerly Invitae), Labcorp
Classification: Uncertain significance for Fanconi anemia. Last evaluated: 2018-01-06. Review status: criteria provided, single submitter. Criteria: Invitae Variant Classification Sherloc (09022015). Collection method: clinical testing. Allele origin: germline.
Comment: This sequence change replaces lysine with asparagine at codon 159 of the FANCB protein (p.Lys159Asn). The lysine residue is weakly conserved and there is a moderate physicochemical difference between lysine and asparagine. In summary, the available evidence is currently insufficient to determine the role of this variant in disease. Therefore, it has been classified as a Variant of Uncertain Significance. Algorithms developed to predict the effect of missense changes on protein structure and function output the following: SIFT: "Tolerated"; PolyPhen-2: "Benign"; Align-GVGD: "Class C0". The asparagine amino acid residue is found in multiple mammalian species, suggesting that this missense change does not adversely affect protein function. These predictions have not been confirmed by published functional studies and their clinical significance is uncertain. This variant has not been reported in the literature in individuals with FANCB-related disease. This variant is not present in population databases (ExAC no frequency).

NM_001018113.3(FANCB):c.477A>C (p.Lys159Asn)

Gene: FANCB (FA complementation group B; minus strand). Cytogenetic location: Xp22.2.
Variant type: single nucleotide variant.
Coding change: c.477A>C on transcript NM_001018113.3 (MANE Select); coding-DNA position 477, A replaced by C.
Protein change: p.Lys159Asn; replaces lysine 159 with asparagine.
Molecular consequence: missense variant.
Genome position (GRCh38, 1-based): chrX:14,865,034, T>G on the plus strand (A>C on the coding strand, the complement: FANCB is on the minus strand). VCF-style: chrX-14865034-T-G. GRCh37 (hg19) VCF-style: chrX-14883156-T-G.
Other names: c.477A>C, p.Lys159Asn (NM_001324162.2, NM_152633.4); short protein forms K159N.
Identifiers: ClinVar variation 569947 (VCV000569947.8), dbSNP rs1569092592, ClinGen allele CA412444417.